The following is an entry in ClinVar:

NM_000257.4(MYH7):c.1378C>A (p.Leu460Met)

Gene: MYH7 (myosin heavy chain 7; minus strand). Cytogenetic location: 14q11.2.
Variant type: single nucleotide variant.
Coding change: c.1378C>A on transcript NM_000257.4 (MANE Select); coding-DNA position 1378, C replaced by A.
Protein change: p.Leu460Met; replaces leucine 460 with methionine.
Molecular consequence: missense variant.
Genome position (GRCh38, 1-based): chr14:23,428,984, G>T on the plus strand (C>A on the coding strand, the complement: MYH7 is on the minus strand). VCF-style: chr14-23428984-G-T. GRCh37 (hg19) VCF-style: chr14-23898193-G-T.
Other names: c.1378C>A, p.Leu460Met (NM_001407004.1); short protein forms L460M.
Identifiers: ClinVar variation 3230895 (VCV003230895.1), dbSNP rs1463785986, ClinGen allele CA389050752.

ClinVar aggregate classification (germline): Uncertain significance (1 of 4 stars; one submission).

Conditions:
Cardiovascular phenotype. Identifiers: MedGen CN230736.

Submission:

Ambry Genetics
Classification: Uncertain significance for Cardiovascular phenotype. Last evaluated: 2024-02-06. Review status: criteria provided, single submitter. Criteria: Ambry Variant Classification Scheme 2023. Collection method: clinical testing. Allele origin: germline.
Comment: The p.L460M variant (also known as c.1378C>A), located in coding exon 12 of the MYH7 gene, results from a C to A substitution at nucleotide position 1378. The leucine at codon 460 is replaced by methionine, an amino acid with highly similar properties. This amino acid position is highly conserved in available vertebrate species. In addition, this alteration is predicted to be deleterious by in silico analysis. Based on the available evidence, the clinical significance of this alteration remains unclear.